The following is an entry in ClinVar:

NM_006915.3(RP2):c.434T>C (p.Phe145Ser)

Gene: RP2 (RP2 activator of ARL3 GTPase; plus strand). Cytogenetic location: Xp11.3.
Variant type: single nucleotide variant.
Coding change: c.434T>C on transcript NM_006915.3 (MANE Select); coding-DNA position 434, T replaced by C.
Protein change: p.Phe145Ser; replaces phenylalanine 145 with serine.
Molecular consequence: missense variant.
Genome position (GRCh38, 1-based): chrX:46,853,807, T>C. VCF-style: chrX-46853807-T-C. GRCh37 (hg19) VCF-style: chrX-46713242-T-C.
Other names: short protein forms F145S.
Identifiers: ClinVar variation 1213907 (VCV001213907.7), dbSNP rs1000426939, ClinGen allele CA329691497.

ClinVar aggregate classification (germline): Conflicting classifications of pathogenicity. Review status: criteria provided, conflicting classifications (1 of 4 stars). 2 submissions from 2 submitters: Likely pathogenic (1); Uncertain significance (1). Last evaluated 2021-08-30.

Conditions:
Retinitis pigmentosa 2 (RP2). Also called: Retinitis pigmentosa 2, X linked. Identifiers: Orphanet 791, MedGen C2681923, MONDO:0010723, OMIM 312600.

Allele frequency attached by ClinVar (database versions not stated): gnomAD exomes below 0.00001; TOPMed 0.00001.
gnomAD v4.1: 2 of 1,211,697 alleles (0.00017%); highest among the groups gnomAD compares: Non-Finnish European, 0.00022%; no homozygotes.

Submissions (2):

Labcorp Genetics (formerly Invitae), Labcorp
Classification: Uncertain significance. Last evaluated: 2021-08-30. Review status: criteria provided, single submitter. Criteria: Invitae Variant Classification Sherloc (09022015). Collection method: clinical testing. Allele origin: germline.
Comment: This sequence change replaces phenylalanine with serine at codon 145 of the RP2 protein (p.Phe145Ser). The phenylalanine residue is highly conserved and there is a large physicochemical difference between phenylalanine and serine. This variant is not present in population databases (ExAC no frequency). This variant has not been reported in the literature in individuals affected with RP2-related conditions. Algorithms developed to predict the effect of missense changes on protein structure and function (SIFT, PolyPhen-2, Align-GVGD) all suggest that this variant is likely to be disruptive. In summary, the available evidence is currently insufficient to determine the role of this variant in disease. Therefore, it has been classified as a Variant of Uncertain Significance.

DBGen Ocular Genomics
Classification: Likely pathogenic for Retinitis pigmentosa 2. Last evaluated: 2021-06-22. Review status: criteria provided, single submitter. Criteria: ACMG Guidelines, 2015. Collection method: clinical testing. Allele origin: germline. Affected: yes. Observed: 1 variant allele.